The following is an entry in ClinVar:

NM_001375380.1(EBF3):c.1375G>T (p.Gly459Cys)

Gene: EBF3 (EBF transcription factor 3; minus strand). Cytogenetic location: 10q26.3.
Variant type: single nucleotide variant.
Coding change: c.1375G>T on transcript NM_001375380.1 (MANE Select); coding-DNA position 1375, G replaced by T.
Protein change: p.Gly459Cys; replaces glycine 459 with cysteine.
Molecular consequence: missense variant. On other transcripts: intron variant (1).
Genome position (GRCh38, 1-based): chr10:129,841,030, C>A on the plus strand (G>T on the coding strand, the complement: EBF3 is on the minus strand). VCF-style: chr10-129841030-C-A. GRCh37 (hg19) VCF-style: chr10-131639294-C-A.
Other names: c.1348G>T, p.Gly450Cys (NM_001005463.3, NM_001375390.1); c.1375G>T, p.Gly459Cys (NM_001375379.1, NM_001375389.1, NM_001375391.1); c.1346-588G>T (NM_001375392.1); short protein forms G450C, G459C.
Identifiers: ClinVar variation 5020724 (VCV005020724.1).
Genomic context (GRCh38, chr10:129,841,030, plus strand): 5'-GGGGAGTACTGCTGGGGACGTAGCCTCGCGGGGACACGCTGCTTGTATTGCGACTGTAGC[C>A]GACTGTTGAAATCCCCCCCCCGGCCAAAAATAACATTATTATCAGCGACAGACACTTGGG-3'
Protein context (NP_001362309.1, residues 449-469): SETSQANDQV[Gly459Cys]YSRNTSSVSP

ClinVar aggregate classification (germline): Uncertain significance (1 of 4 stars; one submission).

gnomAD v4.1: 22 of 1,577,500 alleles (0.0014%); highest among the groups gnomAD compares: Admixed American, 0.021%; no homozygotes.

Submission:

Dasa
Classification: Uncertain significance. Last evaluated: 2026-01-21. Review status: criteria provided, single submitter. Criteria: DASA Assertion Criteria. Collection method: clinical testing. Allele origin: germline.
Comment: NM_001375380.1(EBF3):c.1375G>T (p.Gly459Cys) is a missense variant that results in the substitution of glycine with cysteine. This variant is rare in population databases. The currently available literature and clinical evidence are not sufficient to establish a definitive association between this variant and the reported condition. Therefore, this variant is classified as a variant of uncertain significance.